The following is an entry in ClinVar:

NM_002972.4(SBF1):c.3487C>T (p.Arg1163Cys)

Gene: SBF1 (SET binding factor 1; minus strand). Cytogenetic location: 22q13.33.
Variant type: single nucleotide variant.
Coding change: c.3487C>T on transcript NM_002972.4 (MANE Select); coding-DNA position 3487, C replaced by T.
Protein change: p.Arg1163Cys; replaces arginine 1163 with cysteine.
Molecular consequence: missense variant.
Genome position (GRCh38, 1-based): chr22:50,459,956, G>A on the plus strand (C>T on the coding strand, the complement: SBF1 is on the minus strand). VCF-style: chr22-50459956-G-A. GRCh37 (hg19) VCF-style: chr22-50898385-G-A.
Other names: c.3490C>T, p.Arg1164Cys (NM_001365819.1, NM_001410794.1); c.3487C>T, p.Arg1163Cys (NM_001410795.1); c.3487C>T (NM_002972.2); short protein forms R1163C, R1164C.
Identifiers: ClinVar variation 3708722 (VCV003708722.2).
Genomic context (GRCh38, chr22:50,459,956, plus strand): 5'-AGGGAAGACACCCAGTCACGTGTCCACCACCCGGGCCAGCCCTGGCCGGCCCTCACCTGC[G>A]GCAGATGGCATACATGCGGTTGACCGGAGAAATGCGGAAGGGCTCAGACTTGGCCCGGCT-3'
Protein context (NP_002963.2, residues 1153-1173): SPVNRMYAIC[Arg1163Cys]SYPGLLIVPQ

ClinVar aggregate classification (germline): Uncertain significance. Review status: criteria provided, multiple submitters, no conflicts (2 of 4 stars). 2 submissions from 2 submitters: Uncertain significance (2). Last evaluated 2025-07-03.

Submissions (2):

Ambry Genetics
Classification: Uncertain significance. Last evaluated: 2025-07-03. Review status: criteria provided, single submitter. Criteria: Ambry Variant Classification Scheme 2023. Collection method: clinical testing. Allele origin: germline.

Labcorp Genetics (formerly Invitae), Labcorp
Classification: Uncertain significance. Last evaluated: 2024-03-14. Review status: criteria provided, single submitter. Criteria: Invitae Variant Classification Sherloc (09022015). Collection method: clinical testing. Allele origin: germline.
Comment: This sequence change replaces arginine, which is basic and polar, with cysteine, which is neutral and slightly polar, at codon 1163 of the SBF1 protein (p.Arg1163Cys). This variant is present in population databases (rs761567683, gnomAD 0.006%). This variant has not been reported in the literature in individuals affected with SBF1-related conditions. Advanced modeling of protein sequence and biophysical properties (such as structural, functional, and spatial information, amino acid conservation, physicochemical variation, residue mobility, and thermodynamic stability) performed at Invitae indicates that this missense variant is expected to disrupt SBF1 protein function with a positive predictive value of 80%. In summary, the available evidence is currently insufficient to determine the role of this variant in disease. Therefore, it has been classified as a Variant of Uncertain Significance.